The following is an entry in ClinVar:

NM_000102.4(CYP17A1):c.297+2T>C

Gene: CYP17A1 (cytochrome P450 family 17 subfamily A member 1; minus strand). Cytogenetic location: 10q24.32.
Variant type: single nucleotide variant.
Coding change: c.297+2T>C on transcript NM_000102.4 (MANE Select); the canonical splice donor site of the intron after coding-DNA position 297, T replaced by C.
Molecular consequence: splice donor variant.
Genome position (GRCh38, 1-based): chr10:102,837,063, A>G on the plus strand (T>C on the coding strand, the complement: CYP17A1 is on the minus strand). VCF-style: chr10-102837063-A-G. GRCh37 (hg19) VCF-style: chr10-104596820-A-G.
Identifiers: ClinVar variation 431980 (VCV000431980.17), dbSNP rs764723654, ClinGen allele CA5669613.

ClinVar aggregate classification (germline): Pathogenic. Review status: criteria provided, multiple submitters, no conflicts (2 of 4 stars). 4 submissions from 4 submitters: Pathogenic (4). Last evaluated 2024-12-14.

Conditions:
Deficiency of steroid 17-alpha-monooxygenase. Also called: 17-alpha-hydroxylase/17,20-lyase deficiency; ADRENAL HYPERPLASIA V; 17-ALPHA-HYDROXYLASE DEFICIENCY; Congenital adrenal hyperplasia due to 17-alpha-hydroxylase deficiency; Congenital adrenal hyperplasia type 5. Identifiers: Orphanet 90793, MedGen C0268285, MONDO:0008730, OMIM 202110.

Allele frequency attached by ClinVar (database versions not stated): gnomAD exomes below 0.00001; ExAC 0.00001; TOPMed 0.00001; gnomAD 0.00002.
gnomAD v4.1: 4 of 1,576,162 alleles (0.00025%); highest among the groups gnomAD compares: East Asian, 0.0022%; no homozygotes.

Submissions (4):

Natera, Inc.
Classification: Pathogenic for Deficiency of steroid 17-alpha-monooxygenase. Last evaluated: 2024-12-14. Review status: criteria provided, single submitter. Criteria: Natera Variant Classification Schema (03/2026). Collection method: clinical testing. Allele origin: germline.
Comment: The c.297+2T>C variant in CYP17A1 is a canonical splice donor site variant predicted to affect pre-mRNA splicing, which may result in an abnormal transcript and altered protein product. This variant is expected to result in nonsense mediated decay, truncation, or a dysfunctional protein product. This variant is rare in the general population with a frequency below the threshold expected for the associated phenotype(s). This variant has been observed in one or more individuals affected with the associated recessive disease, as either homozygous or compound heterozygous with a second variant (PMID: 21966534). Given the available evidence, this variant is classified as Pathogenic.

Labcorp Genetics (formerly Invitae), Labcorp
Classification: Pathogenic. Last evaluated: 2024-02-05. Review status: criteria provided, single submitter. Criteria: Invitae Variant Classification Sherloc (09022015). Collection method: clinical testing. Allele origin: germline.
Comment: This sequence change affects a donor splice site in intron 1 of the CYP17A1 gene. It is expected to disrupt RNA splicing. Variants that disrupt the donor or acceptor splice site typically lead to a loss of protein function (PMID: 16199547), and loss-of-function variants in CYP17A1 are known to be pathogenic (PMID: 10720067, 14747197, 17192295, 20197673, 24140098). This variant is present in population databases (rs764723654, gnomAD 0.01%). Disruption of this splice site has been observed in individual(s) with clinical features of CYP17A1-related disease (PMID: 21966534, 26980296). In at least one individual the data is consistent with being in trans (on the opposite chromosome) from a pathogenic variant. This variant is also known as IVS1+2T>C. ClinVar contains an entry for this variant (Variation ID: 431980). Studies have shown that disruption of this splice site alters mRNA splicing and is expected to lead to the loss of protein expression (PMID: 21966534). For these reasons, this variant has been classified as Pathogenic.

GeneDx
Classification: Pathogenic. Last evaluated: 2017-06-16. Review status: criteria provided, single submitter. Criteria: GeneDx Variant Classification (06012015). Collection method: clinical testing. Allele origin: germline. Affected: yes.
Comment: The c.297+2 T>C splice site variant has been previously reported in association with CYP17A1-associated disorders (Hwang et al., 2011; Dong et al., 2016). This variant destroys the canonical splice donor site in intron 1, and functional studies have shown c.297+2 T>C leads to abnormal splicing and a decrease in CYP17A1 protein expression (Hwang et al., 2011). The variant is not observed at a significant frequency in large population cohorts (Lek et al., 2016; 1000 Genomes Consortium et al., 2015; Exome Variant Server). In summary, we consider this variant to be pathogenic.

Juno Genomics, Hangzhou Juno Genomics, Inc
Classification: Pathogenic for Deficiency of steroid 17-alpha-monooxygenase. Review status: criteria provided, single submitter. Criteria: ACMG Guidelines, 2015. Collection method: clinical testing. Allele origin: germline. Affected: yes.
Comment: Null variant in a gene where loss of function (LOF) is a known mechanism of disease.;Absent from controls (or at extremely low frequency if recessive) in Genome Aggregation Database, Exome Sequencing Project, 1000 Genomes Project, or Exome Aggregation Consortium.;For recessive disorders, detected in trans with a pathogenic variant.

Literature cited by the submitters: PubMed 21966534 (cited by Natera, Inc. and Labcorp Genetics (formerly Invitae), Labcorp); PubMed 16199547 (cited by Labcorp Genetics (formerly Invitae), Labcorp); PubMed 10720067 (cited by Labcorp Genetics (formerly Invitae), Labcorp); PubMed 14747197 (cited by Labcorp Genetics (formerly Invitae), Labcorp); PubMed 17192295 (cited by Labcorp Genetics (formerly Invitae), Labcorp); PubMed 20197673 (cited by Labcorp Genetics (formerly Invitae), Labcorp); PubMed 24140098 (cited by Labcorp Genetics (formerly Invitae), Labcorp); PubMed 26980296 (cited by Labcorp Genetics (formerly Invitae), Labcorp).